The following is an entry in ClinVar:

NM_001101426.4(CRPPA):c.37G>A (p.Glu13Lys)

Genes: CRPPA (CDP-L-ribitol pyrophosphorylase A; minus strand), LOC129998005 (ATAC-STARR-seq lymphoblastoid silent region 17982; plus strand). Cytogenetic location: 7p21.2.
Variant type: single nucleotide variant.
Coding change: c.37G>A on transcript NM_001101426.4 (MANE Select); coding-DNA position 37, G replaced by A.
Protein change: p.Glu13Lys; replaces glutamic acid 13 with lysine.
Molecular consequence: missense variant. On other transcripts: non-coding transcript variant (1).
Genome position (GRCh38, 1-based): chr7:16,421,286, C>T on the plus strand (G>A on the coding strand, the complement: CRPPA is on the minus strand). VCF-style: chr7-16421286-C-T. GRCh37 (hg19) VCF-style: chr7-16460911-C-T.
Other names: c.37G>A, p.Glu13Lys (NM_001101417.4, NM_001368197.1); short protein forms E13K.
Identifiers: ClinVar variation 1680818 (VCV001680818.6), dbSNP rs1403508868, ClinGen allele CA367004520.
Genomic context (GRCh38, chr7:16,421,286, plus strand): 5'-GCAGGGAGGCGGAAGCCGTGTGGTCCGCGCCGCGCTGACCACTCAGGCAAGGACCCGGCT[C>T]CGCCGGCCTGGCGCTGCCCGGCGGCCCGGCCTCCATGGCTGCGGGCGGAACGGCGAGCCC-3'
Protein context (NP_001094896.1, residues 3-23): AGPPGSARPA[Glu13Lys]PGPCLSGQRG

ClinVar aggregate classification (germline): Uncertain significance (1 of 4 stars; one submission).

Conditions:
Muscular dystrophy-dystroglycanopathy (congenital with brain and eye anomalies), type A, 7. Also called: WALKER-WARBURG SYNDROME OR MUSCLE-EYE-BRAIN DISEASE, ISPD-RELATED; Congenital muscular dystrophy-dystroglycanopathy with brain and eye anomalies, type A7. Identifiers: Orphanet 899, MedGen C3553330, MONDO:0013835, OMIM 614643.
Autosomal recessive limb-girdle muscular dystrophy type 2U. Also called: Muscular dystrophy-dystroglycanopathy (limb-girdle), type c, 7; MUSCULAR DYSTROPHY, LIMB-GIRDLE, TYPE 2U. Identifiers: Orphanet 352479, MedGen C5190987, MONDO:0014474, OMIM 616052.

Allele frequency attached by ClinVar (database versions not stated): gnomAD 0.00001; gnomAD exomes 0.00001; TOPMed 0.00001.
gnomAD v4.1: 9 of 1,277,126 alleles (0.0007%); highest among the groups gnomAD compares: Non-Finnish European, 0.00089%; no homozygotes.

Submission:

Labcorp Genetics (formerly Invitae), Labcorp
Classification: Uncertain significance for Muscular dystrophy-dystroglycanopathy (congenital with brain and eye anomalies), type A, 7; Autosomal recessive limb-girdle muscular dystrophy type 2U. Last evaluated: 2022-10-05. Review status: criteria provided, single submitter. Criteria: Invitae Variant Classification Sherloc (09022015). Collection method: clinical testing. Allele origin: germline.
Comment: In summary, the available evidence is currently insufficient to determine the role of this variant in disease. Therefore, it has been classified as a Variant of Uncertain Significance. Algorithms developed to predict the effect of missense changes on protein structure and function output the following: SIFT: "Deleterious"; PolyPhen-2: "Benign"; Align-GVGD: "Class C0". The lysine amino acid residue is found in multiple mammalian species, which suggests that this missense change does not adversely affect protein function. ClinVar contains an entry for this variant (Variation ID: 1680818). This variant has not been reported in the literature in individuals affected with ISPD-related conditions. This variant is present in population databases (no rsID available, gnomAD 0.007%). This sequence change replaces glutamic acid, which is acidic and polar, with lysine, which is basic and polar, at codon 13 of the ISPD protein (p.Glu13Lys).